The following is an entry in ClinVar:

NM_001256789.3(CACNA1F):c.5596T>C (p.Cys1866Arg)

Gene: CACNA1F (calcium voltage-gated channel subunit alpha1 F; minus strand). Cytogenetic location: Xp11.23.
Variant type: single nucleotide variant.
Coding change: c.5596T>C on transcript NM_001256789.3 (MANE Select); coding-DNA position 5596, T replaced by C.
Protein change: p.Cys1866Arg; replaces cysteine 1866 with arginine.
Molecular consequence: missense variant.
Genome position (GRCh38, 1-based): chrX:49,205,690, A>G on the plus strand (T>C on the coding strand, the complement: CACNA1F is on the minus strand). VCF-style: chrX-49205690-A-G. GRCh37 (hg19) VCF-style: chrX-49062150-A-G.
Other names: c.5434T>C, p.Cys1812Arg (NM_001256790.3); c.5629T>C, p.Cys1877Arg (NM_005183.4); short protein forms C1866R, C1877R, C1812R.
Identifiers: ClinVar variation 834485 (VCV000834485.9), dbSNP rs2065587479, ClinGen allele CA412957055.

ClinVar aggregate classification (germline): Uncertain significance (1 of 4 stars; one submission).

Submission:

Labcorp Genetics (formerly Invitae), Labcorp
Classification: Uncertain significance. Last evaluated: 2019-11-18. Review status: criteria provided, single submitter. Criteria: Invitae Variant Classification Sherloc (09022015). Collection method: clinical testing. Allele origin: germline.
Comment: This variant is not present in population databases (ExAC no frequency). This variant has not been reported in the literature in individuals with CACNA1F-related conditions. Algorithms developed to predict the effect of missense changes on protein structure and function output the following: SIFT: "Deleterious"; PolyPhen-2: "Benign"; Align-GVGD: "Class C0". The arginine amino acid residue is found in multiple mammalian species, suggesting that this missense change does not adversely affect protein function. These predictions have not been confirmed by published functional studies and their clinical significance is uncertain. In summary, the available evidence is currently insufficient to determine the role of this variant in disease. Therefore, it has been classified as a Variant of Uncertain Significance. This sequence change replaces cysteine with arginine at codon 1877 of the CACNA1F protein (p.Cys1877Arg). The cysteine residue is moderately conserved and there is a large physicochemical difference between cysteine and arginine.